The following is an entry in ClinVar:

ClinVar aggregate classification (germline): Benign. Review status: criteria provided, multiple submitters, no conflicts (2 of 4 stars). 5 submissions from 5 submitters: Benign (4). 1 of the submissions does not count toward it. Last evaluated 2026-02-02.

Conditions:
VPS13D-related disorder. Also called: VPS13D-related condition.

Allele frequency attached by ClinVar (database versions not stated): TOPMed 0.02645; 1000 Genomes Project 30x 0.03451; ESP Exome Variant Server 0.00692; gnomAD exomes 0.01790 and 0.04125; gnomAD 0.01800 and 0.01975; 1000 Genomes Project 0.03474; ExAC 0.03476.
gnomAD v4.1: 29,164 of 1,614,104 alleles (1.8%); highest among the groups gnomAD compares: Admixed American, 16%; 1,207 homozygotes.

Submissions (5):

Labcorp Genetics (formerly Invitae), Labcorp
Classification: Benign. Last evaluated: 2026-02-02. Review status: criteria provided, single submitter. Criteria: Invitae Variant Classification Sherloc (09022015). Collection method: clinical testing. Allele origin: germline.

Mayo Clinic Laboratories, Mayo Clinic
Classification: Benign. Last evaluated: 2022-03-23. Review status: criteria provided, single submitter. Criteria: ACMG Guidelines, 2015. Collection method: clinical testing. Allele origin: germline. Observed: 55 variant alleles.

GeneDx
Classification: Benign. Last evaluated: 2021-05-05. Review status: criteria provided, single submitter. Criteria: GeneDx Variant Classification Process June 2021. Collection method: clinical testing. Allele origin: germline. Affected: yes.

Breakthrough Genomics
Classification: Benign. Review status: criteria provided, single submitter. Criteria: ACMG Guidelines, 2015. Collection method: not provided. Allele origin: germline. Inheritance: Autosomal recessive inheritance. Affected: yes.

PreventionGenetics, part of Exact Sciences
Classification: Benign for VPS13D-related condition. Last evaluated: 2024-05-11. Review status: no assertion criteria provided. Collection method: clinical testing. Allele origin: germline. Not counted in ClinVar's aggregate classification.
Comment: This variant is classified as benign based on ACMG/AMP sequence variant interpretation guidelines (Richards et al. 2015 PMID: 25741868, with internal and published modifications).

NM_015378.4(VPS13D):c.7863C>T (p.Arg2621=)

Gene: VPS13D (vacuolar protein sorting 13 homolog D; plus strand). Cytogenetic location: 1p36.22.
Variant type: single nucleotide variant.
Coding change: c.7863C>T on transcript NM_015378.4 (MANE Select); coding-DNA position 7863, C replaced by T.
Protein change: p.Arg2621=; no amino-acid change (arginine 2621 retained).
Molecular consequence: synonymous variant.
Genome position (GRCh38, 1-based): chr1:12,322,694, C>T. VCF-style: chr1-12322694-C-T. GRCh37 (hg19) VCF-style: chr1-12382751-C-T.
Other names: p.Arg2621=; c.7863C>T, p.Arg2621= (NM_018156.4).
Identifiers: ClinVar variation 1233370 (VCV001233370.15), dbSNP rs35102018, ClinGen allele CA602933.